The following is an entry in ClinVar:

ClinVar aggregate classification (germline): Likely benign (0 of 4 stars; one submission).

Conditions:
SLITRK5-related disorder. Also called: SLITRK5-related condition.

Allele frequency attached by ClinVar (database versions not stated): gnomAD 0.00025; TOPMed 0.00035; ExAC 0.00042; 1000 Genomes Project 0.00140; 1000 Genomes Project 30x 0.00156.
gnomAD v4.1: 279 of 1,614,122 alleles (0.017%); highest among the groups gnomAD compares: East Asian, 0.53%; 2 homozygotes.

Submission:

PreventionGenetics, part of Exact Sciences
Classification: Likely benign for SLITRK5-related condition. Last evaluated: 2019-09-10. Review status: no assertion criteria provided. Collection method: clinical testing. Allele origin: germline.
Comment: This variant is classified as likely benign based on ACMG/AMP sequence variant interpretation guidelines (Richards et al. 2015 PMID: 25741868, with internal and published modifications).

NM_001384609.1(SLITRK5):c.354G>T (p.Gln118His)

Gene: SLITRK5 (SLIT and NTRK like family member 5; plus strand). Cytogenetic location: 13q31.2.
Variant type: single nucleotide variant.
Coding change: c.354G>T on transcript NM_001384609.1 (MANE Select); coding-DNA position 354, G replaced by T.
Protein change: p.Gln118His; replaces glutamine 118 with histidine.
Molecular consequence: missense variant.
Genome position (GRCh38, 1-based): chr13:87,675,742, G>T. VCF-style: chr13-87675742-G-T. GRCh37 (hg19) VCF-style: chr13-88327997-G-T.
Other names: c.354G>T, p.Gln118His (NM_001384610.1, NM_015567.2); short protein forms Q118H.
Identifiers: ClinVar variation 3040238 (VCV003040238.2), dbSNP rs149464166, ClinGen allele CA7015477.
Genomic context (GRCh38, chr13:87,675,742, plus strand): 5'-CAATGAGTTTGTCAATTACACTGGGGCTTCAATTTTGCATCTAGGTAGCAATGTTATCCA[G>T]GACATTGAGACCGGGGCTTTCCATGGGCTACGGGGTTTGAGGAGATTGCATCTAAACAAT-3'
Protein context (NP_001371538.1, residues 108-128): SILHLGSNVI[Gln118His]DIETGAFHGL